The following is an entry in ClinVar:

NM_001126108.2(SLC12A3):c.1619_1625del (p.Tyr540fs)

Gene: SLC12A3 (solute carrier family 12 member 3; plus strand). Cytogenetic location: 16q13.
Variant type: Deletion.
Coding change: c.1619_1625del on transcript NM_001126108.2 (MANE Select); coding-DNA positions 1619 to 1625, 7 bases deleted (ATGCCCT; older notation c.1619_1625delATGCCCT).
Protein change: p.Tyr540fs; shifts the reading frame from tyrosine 540.
Molecular consequence: frameshift variant.
Genome position (GRCh38, 1-based): chr16:56,882,447-56,882,453, ATGCCCT deleted; deleting any 7 consecutive bases within chr16:56,882,444-56,882,453 gives the same sequence; the c. name uses the placement nearest the transcript's 3' end. VCF-style (leftmost placement, unchanged base first): chr16-56882443-TCCTATGC-T. GRCh37 (hg19) VCF-style: chr16-56916355-TCCTATGC-T.
Other names: c.1619_1625del, p.Tyr540fs (NM_000339.3); c.1616_1622del, p.Tyr539fs (NM_001126107.2, NM_001410896.1); short protein forms Y540fs, Y539fs.
Identifiers: ClinVar variation 2725291 (VCV002725291.3), dbSNP rs2543511781, ClinGen allele CA2697555867.

ClinVar aggregate classification (germline): Pathogenic (1 of 4 stars; one submission).

Submission:

Labcorp Genetics (formerly Invitae), Labcorp
Classification: Pathogenic. Last evaluated: 2023-06-23. Review status: criteria provided, single submitter. Criteria: Invitae Variant Classification Sherloc (09022015). Collection method: clinical testing. Allele origin: germline.
Comment: For these reasons, this variant has been classified as Pathogenic. This variant has not been reported in the literature in individuals affected with SLC12A3-related conditions. This variant is not present in population databases (gnomAD no frequency). This sequence change creates a premature translational stop signal (p.Tyr540Serfs*69) in the SLC12A3 gene. It is expected to result in an absent or disrupted protein product. Loss-of-function variants in SLC12A3 are known to be pathogenic (PMID: 20848653, 22009145, 25841442).

Literature cited by the submitters: PubMed 20848653; PubMed 22009145; PubMed 25841442.